The following is an entry in ClinVar:

ClinVar aggregate classification (germline): Uncertain significance (1 of 4 stars; one submission).

Conditions:
Hereditary cancer-predisposing syndrome. Also called: Tumor predisposition; Hereditary Cancer Syndrome; Hereditary neoplastic syndrome; Neoplastic Syndromes, Hereditary. Identifiers: Orphanet 140162, MedGen C0027672, MeSH D009386, MONDO:0015356.

gnomAD v4.1: 1 of 1,614,040 alleles (0.000062%); highest among the groups gnomAD compares: East Asian, 0.0022%; no homozygotes.

Submission:

Ambry Genetics
Classification: Uncertain significance for Hereditary cancer-predisposing syndrome. Last evaluated: 2025-09-25. Review status: criteria provided, single submitter. Criteria: Ambry Variant Classification Scheme 2023. Collection method: clinical testing. Allele origin: germline.
Comment: The p.G885R variant (also known as c.2653G>A), located in coding exon 15 of the RET gene, results from a G to A substitution at nucleotide position 2653. The glycine at codon 885 is replaced by arginine, an amino acid with dissimilar properties. This amino acid position is highly conserved in available vertebrate species. In addition, the in silico prediction for this alteration is inconclusive. Based on the available evidence, the clinical significance of this variant remains unclear.

NM_020975.6(RET):c.2653G>A (p.Gly885Arg)

Gene: RET (ret proto-oncogene; plus strand). Cytogenetic location: 10q11.21.
Variant type: single nucleotide variant.
Coding change: c.2653G>A on transcript NM_020975.6 (MANE Select); coding-DNA position 2653, G replaced by A.
Protein change: p.Gly885Arg; replaces glycine 885 with arginine.
Molecular consequence: missense variant.
Genome position (GRCh38, 1-based): chr10:43,120,126, G>A. VCF-style: chr10-43120126-G-A. GRCh37 (hg19) VCF-style: chr10-43615574-G-A.
Other names: c.1891G>A, p.Gly631Arg (NM_001355216.2); c.2653G>A, p.Gly885Arg (NM_001406743.1, NM_001406744.1, NM_001406759.1 and 2 more transcripts); c.2524G>A, p.Gly842Arg (NM_001406761.1, NM_001406762.1, NM_001406764.1); c.2518G>A, p.Gly840Arg (NM_001406763.1, NM_001406765.1); c.2365G>A, p.Gly789Arg (NM_001406766.1, NM_001406767.1, NM_001406770.1); c.2389G>A, p.Gly797Arg (NM_001406768.1); c.2257G>A, p.Gly753Arg (NM_001406769.1, NM_001406772.1); c.2215G>A, p.Gly739Arg (NM_001406771.1, NM_001406773.1); and 10 more; short protein forms G546R, G631R, G450R, G643R, G710R, G739R, G840R, G402R.
Identifiers: ClinVar variation 4545364 (VCV004545364.1).
Genomic context (GRCh38, chr10:43,120,126, plus strand): 5'-TATTTTTCCTCACAGCTCGTTCATCGGGACTTGGCAGCCAGAAACATCCTGGTAGCTGAG[G>A]GGCGGAAGATGAAGATTTCGGATTTCGGCTTGTCCCGAGATGTTTATGAAGAGGATTCCT-3'
Protein context (NP_066124.1, residues 875-895): LAARNILVAE[Gly885Arg]RKMKISDFGL